The following is an entry in ClinVar:

ClinVar aggregate classification (germline): Benign. Review status: criteria provided, multiple submitters, no conflicts (2 of 4 stars). 10 submissions from 10 submitters: Benign (8). 2 of the submissions do not count toward it. Last evaluated 2026-02-03.

Conditions:
Autosomal dominant nonsyndromic hearing loss 4A. Also called: Deafness, autosomal dominant 4A. Identifiers: Orphanet 90635, MedGen C1833503, MONDO:0010915, OMIM 600652.

Allele frequency attached by ClinVar (database versions not stated): 1000 Genomes Project 0.13199; 1000 Genomes Project 30x 0.13257; gnomAD exomes 0.18419 and 0.22324; ESP Exome Variant Server 0.18627; TOPMed 0.19032; gnomAD 0.19958 and 0.20534; ExAC 0.20966.
gnomAD v4.1: 335,729 of 1,525,978 alleles (22%); highest among the groups gnomAD compares: Non-Finnish European, 24%; 39,304 homozygotes.

Submissions (10):

Labcorp Genetics (formerly Invitae), Labcorp
Classification: Benign. Last evaluated: 2026-02-03. Review status: criteria provided, single submitter. Criteria: Invitae Variant Classification Sherloc (09022015). Collection method: clinical testing. Allele origin: germline.

Mayo Clinic Laboratories, Mayo Clinic
Classification: Benign. Last evaluated: 2020-08-14. Review status: criteria provided, single submitter. Criteria: ACMG Guidelines, 2015. Collection method: clinical testing. Allele origin: germline. Observed: 546 variant alleles.

Illumina Laboratory Services, Illumina
Classification: Benign for Autosomal dominant nonsyndromic hearing loss 4A. Last evaluated: 2018-01-13. Review status: criteria provided, single submitter. Criteria: ICSL Variant Classification Criteria 13 December 2019. Collection method: clinical testing. Allele origin: germline.
Comment: This variant was observed in the ICSL laboratory as part of a predisposition screen in an ostensibly healthy population. It had not been previously curated by ICSL or reported in the Human Gene Mutation Database (HGMD: prior to June 1st, 2018), and was therefore a candidate for classification through an automated scoring system. Utilizing variant allele frequency, disease prevalence and penetrance estimates, and inheritance mode, an automated score was calculated to assess if this variant is too frequent to cause the disease. Based on the score and internal cut-off values, a variant classified as benign is not then subjected to further curation. The score for this variant resulted in a classification of benign for this disease.

GeneDx
Classification: Benign. Last evaluated: 2017-05-09. Review status: criteria provided, single submitter. Criteria: GeneDx Variant Classification (06012015). Collection method: clinical testing. Allele origin: germline. Affected: yes.
Comment: This variant is considered likely benign or benign based on one or more of the following criteria: it is a conservative change, it occurs at a poorly conserved position in the protein, it is predicted to be benign by multiple in silico algorithms, and/or has population frequency not consistent with disease.

Eurofins Ntd Llc (ga)
Classification: Benign. Last evaluated: 2016-05-03. Review status: criteria provided, single submitter. Criteria: EGL Classification Definitions 2015. Collection method: clinical testing. Allele origin: germline. Observed: 26 variant alleles, 25 heterozygotes, 1 homozygote.

Laboratory for Molecular Medicine, Mass General Brigham Personalized Medicine
Classification: Benign. Last evaluated: 2012-04-30. Review status: criteria provided, single submitter. Criteria: LMM Criteria. Collection method: clinical testing. Allele origin: germline. Observed: 483 variant alleles.
Comment: 3680+9C>T in Intron 28 of MYH14: This variant is not expected to have clinical s ignificance because it is not located within the conserved splice consensus sequ ence and has been identified in 21.5% (1419/6596) of European American chromosom es from a broad population by the NHLBI Exome Sequencing Project (.; dbSNP rs76579307).

Breakthrough Genomics
Classification: Benign. Review status: criteria provided, single submitter. Criteria: ACMG Guidelines, 2015. Collection method: not provided. Allele origin: germline. Inheritance: Autosomal dominant inheritance. Affected: yes.

PreventionGenetics, part of Exact Sciences
Classification: Benign. Review status: criteria provided, single submitter. Criteria: ACMG Guidelines, 2015. Collection method: clinical testing. Allele origin: germline.

Clinical Genetics, Academic Medical Center
Classification: Benign. Review status: no assertion criteria provided. Collection method: clinical testing. Allele origin: germline. Affected: yes. Study: VKGL Data-share Consensus. Not counted in ClinVar's aggregate classification.

Joint Genome Diagnostic Labs from Nijmegen and Maastricht, Radboudumc and MUMC+
Classification: Benign. Review status: no assertion criteria provided. Collection method: clinical testing. Allele origin: germline. Affected: yes. Study: VKGL Data-share Consensus. Not counted in ClinVar's aggregate classification.

NM_001145809.2(MYH14):c.3680+9C>T

Gene: MYH14 (myosin heavy chain 14; plus strand). Cytogenetic location: 19q13.33.
Variant type: single nucleotide variant.
Coding change: c.3680+9C>T on transcript NM_001145809.2 (MANE Select); 9 bases into the intron after coding-DNA position 3680, C replaced by T.
Molecular consequence: intron variant.
Genome position (GRCh38, 1-based): chr19:50,276,212, C>T. VCF-style: chr19-50276212-C-T. GRCh37 (hg19) VCF-style: chr19-50779469-C-T.
Other names: p.?; c.3581+9C>T (NM_001077186.2); c.3557+9C>T (NM_024729.4).
Identifiers: ClinVar variation 44067 (VCV000044067.26), dbSNP rs76579307, ClinGen allele CA133494.